The following is an entry in ClinVar:

ClinVar aggregate classification (germline): Uncertain significance (1 of 4 stars; one submission).

Submission:

Labcorp Genetics (formerly Invitae), Labcorp
Classification: Uncertain significance. Last evaluated: 2024-07-26. Review status: criteria provided, single submitter. Criteria: Invitae Variant Classification Sherloc (09022015). Collection method: clinical testing. Allele origin: germline.
Comment: This sequence change replaces arginine, which is basic and polar, with glycine, which is neutral and non-polar, at codon 701 of the COL2A1 protein (p.Arg701Gly). This variant is not present in population databases (gnomAD no frequency). This variant has not been reported in the literature in individuals affected with COL2A1-related conditions. Advanced modeling of protein sequence and biophysical properties (such as structural, functional, and spatial information, amino acid conservation, physicochemical variation, residue mobility, and thermodynamic stability) performed at Invitae indicates that this missense variant is expected to disrupt COL2A1 protein function with a positive predictive value of 95%. In summary, the available evidence is currently insufficient to determine the role of this variant in disease. Therefore, it has been classified as a Variant of Uncertain Significance.

NM_001844.5(COL2A1):c.2101C>G (p.Arg701Gly)

Gene: COL2A1 (collagen type II alpha 1 chain; minus strand). Cytogenetic location: 12q13.11.
Variant type: single nucleotide variant.
Coding change: c.2101C>G on transcript NM_001844.5 (MANE Select); coding-DNA position 2101, C replaced by G.
Protein change: p.Arg701Gly; replaces arginine 701 with glycine.
Molecular consequence: missense variant.
Genome position (GRCh38, 1-based): chr12:47,982,940, G>C on the plus strand (C>G on the coding strand, the complement: COL2A1 is on the minus strand). VCF-style: chr12-47982940-G-C. GRCh37 (hg19) VCF-style: chr12-48376723-G-C.
Other names: c.1894C>G, p.Arg632Gly (NM_033150.3); short protein forms R632G, R701G.
Identifiers: ClinVar variation 3659022 (VCV003659022.2).